The following is an entry in ClinVar:

NM_175918.3(CRIPAK):c.642C>G (p.Pro214=)

Genes: CRIPAK (cysteine rich PAK1 inhibitor; plus strand), UVSSA (UV stimulated scaffold protein A; plus strand), LOC126806945 (P300/CBP strongly-dependent group 1 enhancer GRCh37_chr4:1388225-1389424; plus strand). Cytogenetic location: 4p16.3.
Variant type: single nucleotide variant.
Coding change: c.642C>G on transcript NM_175918.3; coding-DNA position 642, C replaced by G.
Protein change: p.Pro214=; no amino-acid change (proline 214 retained).
Molecular consequence: synonymous variant.
Genome position (GRCh38, 1-based): chr4:1,395,153, C>G. VCF-style: chr4-1395153-C-G. GRCh37 (hg19) VCF-style: chr4-1388941-C-G.
Identifiers: ClinVar variation 2654573 (VCV002654573.24), dbSNP rs77567310, ClinGen allele CA91253348.

ClinVar aggregate classification (germline): Likely benign (1 of 4 stars; one submission).

Allele frequency attached by ClinVar (database versions not stated): 1000 Genomes Project 0.00240.

Submission:

CeGaT Center for Human Genetics Tuebingen
Classification: Likely benign. Last evaluated: 2022-03-01. Review status: criteria provided, single submitter. Criteria: CeGaT Center For Human Genetics Tuebingen Variant Classification Criteria Version 2. Collection method: clinical testing. Allele origin: germline. Affected: yes. Observed: 1 variant allele.
Comment: CRIPAK: BP4, BP7